The following is an entry in ClinVar:

NM_006015.6(ARID1A):c.104C>T (p.Ala35Val)

Gene: ARID1A (AT-rich interaction domain 1A; plus strand). Cytogenetic location: 1p36.11.
Variant type: single nucleotide variant.
Coding change: c.104C>T on transcript NM_006015.6 (MANE Select); coding-DNA position 104, C replaced by T.
Protein change: p.Ala35Val; replaces alanine 35 with valine.
Molecular consequence: missense variant.
Genome position (GRCh38, 1-based): chr1:26,696,507, C>T. VCF-style: chr1-26696507-C-T. GRCh37 (hg19) VCF-style: chr1-27022998-C-T.
Other names: c.104C>T, p.Ala35Val (NM_139135.4); short protein forms A35V.
Identifiers: ClinVar variation 4760747 (VCV004760747.1).

ClinVar aggregate classification (germline): Uncertain significance (1 of 4 stars; one submission).

gnomAD v4.1: 4 of 1,229,448 alleles (0.00033%); highest among the groups gnomAD compares: Non-Finnish European, 0.0003%; no homozygotes.

Submission:

Labcorp Genetics (formerly Invitae), Labcorp
Classification: Uncertain significance. Last evaluated: 2025-08-26. Review status: criteria provided, single submitter. Criteria: Invitae Variant Classification Sherloc (09022015). Collection method: clinical testing. Allele origin: germline.
Comment: This sequence change replaces alanine, which is neutral and non-polar, with valine, which is neutral and non-polar, at codon 35 of the ARID1A protein (p.Ala35Val). This variant is not present in population databases (gnomAD no frequency). This variant has not been reported in the literature in individuals affected with ARID1A-related conditions. Invitae Evidence Modeling of protein sequence and biophysical properties (such as structural, functional, and spatial information, amino acid conservation, physicochemical variation, residue mobility, and thermodynamic stability) indicates that this missense variant is not expected to disrupt ARID1A protein function with a negative predictive value of 95%. In summary, the available evidence is currently insufficient to determine the role of this variant in disease. Therefore, it has been classified as a Variant of Uncertain Significance.